The following is an entry in ClinVar:

ClinVar aggregate classification (germline): Pathogenic (1 of 4 stars; one submission).

Conditions:
Hereditary diffuse gastric adenocarcinoma (HDGC). Also called: DIFFUSE GASTRIC AND LOBULAR BREAST CANCER SYNDROME. Identifiers: Orphanet 26106, MedGen C1708349, MONDO:0007648, OMIM 137215.

Submission:

Labcorp Genetics (formerly Invitae), Labcorp
Classification: Pathogenic for Hereditary diffuse gastric adenocarcinoma. Last evaluated: 2020-08-06. Review status: criteria provided, single submitter. Criteria: Invitae Variant Classification Sherloc (09022015). Collection method: clinical testing. Allele origin: germline.
Comment: For these reasons, this variant has been classified as Pathogenic. Loss-of-function variants in CDH1 are known to be pathogenic (PMID: 15235021, 20373070). This variant has not been reported in the literature in individuals with CDH1-related conditions. This variant is not present in population databases (ExAC no frequency). This sequence change creates a premature translational stop signal (p.Val51Alafs*6) in the CDH1 gene. It is expected to result in an absent or disrupted protein product.

Literature cited by the submitters: PubMed 15235021; PubMed 20373070.

NM_004360.5(CDH1):c.150_151dup (p.Val51fs)

Gene: CDH1 (cadherin 1; plus strand). Cytogenetic location: 16q22.1.
Variant type: Microsatellite.
Coding change: c.150_151dup on transcript NM_004360.5 (MANE Select); coding-DNA positions 150 to 151, 2 bases duplicated (CG; older notation c.150_151dupCG).
Protein change: p.Val51fs; shifts the reading frame from valine 51.
Molecular consequence: frameshift variant. On other transcripts: 5 prime UTR variant (2).
Genome position (GRCh38, 1-based): chr16:68,738,398-68,738,399, CG duplicated; duplicating any 2 consecutive bases within chr16:68,738,396-68,738,399 gives the same sequence; the c. name uses the placement nearest the transcript's 3' end. VCF-style (leftmost placement, unchanged base first): chr16-68738395-C-CCG. GRCh37 (hg19) VCF-style: chr16-68772298-C-CCG.
Other names: c.150_151dup, p.Val51fs (NM_001317184.2); c.-1468CG[3] (NM_001317185.2); c.-1672CG[3] (NM_001317186.2); short protein forms V51fs.
Identifiers: ClinVar variation 1071833 (VCV001071833.7), dbSNP rs2152114474, ClinGen allele CA2580612835.